The following is an entry in ClinVar:

NM_001909.5(CTSD):c.223A>G (p.Met75Val)

Genes: CTSD (cathepsin D; minus strand), PRADX (PRC2 and DDX5 associated lncRNA; plus strand). Cytogenetic location: 11p15.5.
Variant type: single nucleotide variant.
Coding change: c.223A>G on transcript NM_001909.5 (MANE Select); coding-DNA position 223, A replaced by G.
Protein change: p.Met75Val; replaces methionine 75 with valine.
Molecular consequence: missense variant.
Genome position (GRCh38, 1-based): chr11:1,761,314, T>C on the plus strand (A>G on the coding strand, the complement: CTSD is on the minus strand). VCF-style: chr11-1761314-T-C. GRCh37 (hg19) VCF-style: chr11-1782544-T-C.
Other names: short protein forms M75V.
Identifiers: ClinVar variation 658357 (VCV000658357.8), dbSNP rs144192783, ClinGen allele CA216180789.
Genomic context (GRCh38, chr11:1,761,314, plus strand): 5'-CGGAGCTCTCCTGACAGTGGCTCCGCTTGCAGCAGGGCTAAGACCTCATACTCACGTCCA[T>C]GTAGTTCTTGAGCACCTCGGGAATGGGCCCCTCGGTCACGGCTGGCACCGCCTGGGAGTA-3'
Protein context (NP_001900.1, residues 65-85): GPIPEVLKNY[Met75Val]DAQYYGEIGI

ClinVar aggregate classification (germline): Uncertain significance. Review status: criteria provided, multiple submitters, no conflicts (2 of 4 stars). 3 submissions from 3 submitters: Uncertain significance (3). Last evaluated 2026-05-18.

Conditions:
Inborn genetic diseases. Identifiers: MedGen C0950123, MeSH D030342.
Neuronal ceroid lipofuscinosis. Also called: Neuronal Ceroid Lipofuscinoses. Identifiers: Orphanet 216, Orphanet 79263, MedGen C0027877, MONDO:0016295. Disease mechanism: loss of function.

Allele frequency attached by ClinVar (database versions not stated): gnomAD 0.00001; TOPMed 0.00001; gnomAD exomes 0.00002; ESP Exome Variant Server 0.00008.
gnomAD v4.1: 24 of 1,613,574 alleles (0.0015%); highest among the groups gnomAD compares: African/African-American, 0.0027%; no homozygotes.

Submissions (3):

Ambry Genetics
Classification: Uncertain significance for Inborn genetic diseases. Last evaluated: 2026-05-18. Review status: criteria provided, single submitter. Criteria: Ambry Variant Classification Scheme 2023. Collection method: clinical testing. Allele origin: germline.

Blueprint Genetics
Classification: Uncertain significance. Last evaluated: 2022-03-17. Review status: criteria provided, single submitter. Criteria: ACMG Guidelines, 2015. Collection method: clinical testing. Allele origin: germline.

Labcorp Genetics (formerly Invitae), Labcorp
Classification: Uncertain significance for Neuronal ceroid lipofuscinosis. Last evaluated: 2021-12-11. Review status: criteria provided, single submitter. Criteria: Invitae Variant Classification Sherloc (09022015). Collection method: clinical testing. Allele origin: germline.
Comment: This sequence change replaces methionine, which is neutral and non-polar, with valine, which is neutral and non-polar, at codon 75 of the CTSD protein (p.Met75Val). This variant is not present in population databases (gnomAD no frequency). This variant has not been reported in the literature in individuals affected with CTSD-related conditions. ClinVar contains an entry for this variant (Variation ID: 658357). Algorithms developed to predict the effect of missense changes on protein structure and function are either unavailable or do not agree on the potential impact of this missense change (SIFT: "Deleterious"; PolyPhen-2: "Benign"; Align-GVGD: "Class C0"). In summary, the available evidence is currently insufficient to determine the role of this variant in disease. Therefore, it has been classified as a Variant of Uncertain Significance.